The following is an entry in ClinVar:

ClinVar aggregate classification (germline): Uncertain significance (1 of 4 stars; one submission).

Conditions:
Ehlers-Danlos syndrome, classic type, 1 (EDSCL1). Also called: EHLERS-DANLOS SYNDROME, GRAVIS TYPE; EHLERS-DANLOS SYNDROME, SEVERE CLASSIC TYPE; Ehlers-Danlos syndrome, type 1; Ehlers-Danlos Syndrome, Classic Type, COL5A1-Related; EDS I. Identifiers: MedGen C0268335, MONDO:0019567, OMIM 130000.

Submission:

Labcorp Genetics (formerly Invitae), Labcorp
Classification: Uncertain significance for Ehlers-Danlos syndrome, classic type, 1. Last evaluated: 2024-09-27. Review status: criteria provided, single submitter. Criteria: Invitae Variant Classification Sherloc (09022015). Collection method: clinical testing. Allele origin: germline.
Comment: This sequence change replaces glycine, which is neutral and non-polar, with serine, which is neutral and polar, at codon 1149 of the COL5A2 protein (p.Gly1149Ser). This variant is not present in population databases (gnomAD no frequency). This missense change has been observed in individual(s) with clinical features of Ehlers-Danlos syndrome (internal data). Invitae Evidence Modeling of protein sequence and biophysical properties (such as structural, functional, and spatial information, amino acid conservation, physicochemical variation, residue mobility, and thermodynamic stability) indicates that this missense variant is expected to disrupt COL5A2 protein function with a positive predictive value of 80%. This variant disrupts the p.Gly1149 amino acid residue in COL5A2. Other variant(s) that disrupt this residue have been observed in individuals with COL5A2-related conditions (PMID: 9783710, 27011056; internal data), which suggests that this may be a clinically significant amino acid residue. In summary, the available evidence is currently insufficient to determine the role of this variant in disease. Therefore, it has been classified as a Variant of Uncertain Significance.

Literature cited by the submitters: PubMed 9783710; PubMed 27011056.

NM_000393.5(COL5A2):c.3445G>A (p.Gly1149Ser)

Gene: COL5A2 (collagen type V alpha 2 chain; minus strand). Cytogenetic location: 2q32.2.
Variant type: single nucleotide variant.
Coding change: c.3445G>A on transcript NM_000393.5 (MANE Select); coding-DNA position 3445, G replaced by A.
Protein change: p.Gly1149Ser; replaces glycine 1149 with serine.
Molecular consequence: missense variant.
Genome position (GRCh38, 1-based): chr2:189,043,177, C>T on the plus strand (G>A on the coding strand, the complement: COL5A2 is on the minus strand). VCF-style: chr2-189043177-C-T. GRCh37 (hg19) VCF-style: chr2-189907903-C-T.
Other names: short protein forms G1149S.
Identifiers: ClinVar variation 3719824 (VCV003719824.2).